The following is an entry in ClinVar:

ClinVar aggregate classification (germline): Uncertain significance (1 of 4 stars; one submission).

Conditions:
Ullrich congenital muscular dystrophy 2 (UCMD2). Identifiers: Orphanet 75840, MedGen C4225314, MONDO:0014654, OMIM 616470.
Bethlem myopathy 2 (BTHLM2). Identifiers: Orphanet 536516, Orphanet 610, MedGen C4225313, MONDO:0034022, OMIM 616471.

Allele frequency attached by ClinVar (database versions not stated): ExAC 0.00001; gnomAD exomes 0.00001.
gnomAD v4.1: 3 of 1,613,970 alleles (0.00019%); highest among the groups gnomAD compares: Non-Finnish European, 0.00025%; 1 homozygote.

Submission:

Labcorp Genetics (formerly Invitae), Labcorp
Classification: Uncertain significance for Bethlem myopathy 2; Ullrich congenital muscular dystrophy 2. Last evaluated: 2023-06-20. Review status: criteria provided, single submitter. Criteria: Invitae Variant Classification Sherloc (09022015). Collection method: clinical testing. Allele origin: germline.
Comment: In summary, the available evidence is currently insufficient to determine the role of this variant in disease. Therefore, it has been classified as a Variant of Uncertain Significance. Advanced modeling of protein sequence and biophysical properties (such as structural, functional, and spatial information, amino acid conservation, physicochemical variation, residue mobility, and thermodynamic stability) performed at Invitae indicates that this missense variant is not expected to disrupt COL12A1 protein function. This variant has not been reported in the literature in individuals affected with COL12A1-related conditions. This variant is present in population databases (rs756406838, gnomAD 0.0009%). This sequence change replaces threonine, which is neutral and polar, with alanine, which is neutral and non-polar, at codon 2380 of the COL12A1 protein (p.Thr2380Ala).

NM_004370.6(COL12A1):c.7138A>G (p.Thr2380Ala)

Genes: COL12A1 (collagen type XII alpha 1 chain; minus strand), LOC126859712 (MED14-independent group 3 enhancer GRCh37_chr6:75828643-75829842; plus strand). Cytogenetic location: 6q13.
Variant type: single nucleotide variant.
Coding change: c.7138A>G on transcript NM_004370.6 (MANE Select); coding-DNA position 7138, A replaced by G.
Protein change: p.Thr2380Ala; replaces threonine 2380 with alanine.
Molecular consequence: missense variant.
Genome position (GRCh38, 1-based): chr6:75,119,422, T>C on the plus strand (A>G on the coding strand, the complement: COL12A1 is on the minus strand). VCF-style: chr6-75119422-T-C. GRCh37 (hg19) VCF-style: chr6-75829138-T-C.
Other names: c.7138A>G, p.Thr2380Ala (NM_001424113.1); c.7117A>G, p.Thr2373Ala (NM_001424114.1); c.6865A>G, p.Thr2289Ala (NM_001424115.1); c.3646A>G, p.Thr1216Ala (NM_001424116.1, NM_080645.3); short protein forms T1216A, T2373A, T2289A, T2380A.
Identifiers: ClinVar variation 2940746 (VCV002940746.3), dbSNP rs756406838, ClinGen allele CA3892636.
Genomic context (GRCh38, chr6:75,119,422, plus strand): 5'-TTCCTCCTCTGTACCTAATATTCTGGAGGGCCCCAAGGGCTAGGGCCTTGTCATTGTACG[T>C]GTTCAGCTTGAACTCAGACTTGACCTCATCGCTGTATTGCACAAATGAAACCTGAAGGAA-3'
Protein context (NP_004361.3, residues 2370-2390): DEVKSEFKLN[Thr2380Ala]YNDKALALGA